The following is an entry in ClinVar:

ClinVar aggregate classification (germline): Likely benign. Review status: criteria provided, multiple submitters, no conflicts (2 of 4 stars). 2 submissions from 2 submitters: Likely benign (2). Last evaluated 2025-08-11.

Submissions (2):

Mayo Clinic Laboratories, Mayo Clinic
Classification: Likely benign. Last evaluated: 2025-08-11. Review status: criteria provided, single submitter. Criteria: ACMG Guidelines, 2015. Collection method: clinical testing. Allele origin: germline. Observed: 1 variant allele.
Comment: BP4, BP7

Blueprint Genetics
Classification: Likely benign. Last evaluated: 2022-07-01. Review status: criteria provided, single submitter. Criteria: ACMG Guidelines, 2015. Collection method: clinical testing. Allele origin: germline.

NM_006946.4(SPTBN2):c.2445C>A (p.Pro815=)

Gene: SPTBN2 (spectrin beta, non-erythrocytic 2; minus strand). Cytogenetic location: 11q13.2.
Variant type: single nucleotide variant.
Coding change: c.2445C>A on transcript NM_006946.4 (MANE Select); coding-DNA position 2445, C replaced by A.
Protein change: p.Pro815=; no amino-acid change (proline 815 retained).
Molecular consequence: synonymous variant.
Genome position (GRCh38, 1-based): chr11:66,704,831, G>T on the plus strand (C>A on the coding strand, the complement: SPTBN2 is on the minus strand). VCF-style: chr11-66704831-G-T. GRCh37 (hg19) VCF-style: chr11-66472302-G-T.
Other names: p.Pro815=; c.2466C>A, p.Pro822= (NM_001411025.1); c.2445C>A, p.Pro815= (NM_001437541.1).
Identifiers: ClinVar variation 4683641 (VCV004683641.2).